The following is an entry in ClinVar:

ClinVar aggregate classification (germline): Likely pathogenic (1 of 4 stars; one submission).

Submission:

GeneDx
Classification: Likely pathogenic. Last evaluated: 2025-05-20. Review status: criteria provided, single submitter. Criteria: GeneDx Variant Classification Process June 2021. Collection method: clinical testing. Allele origin: germline. Affected: yes.
Comment: Not observed at significant frequency in large population cohorts (gnomAD); Missense variants in this gene are a common cause of disease and they are underrepresented in the general population; In silico analysis suggests that this missense variant does not alter protein structure/function, but splice predictors indicate that the variant may lead to abnormal gene splicing; Has not been previously published as pathogenic or benign to our knowledge

NM_001165963.4(SCN1A):c.4709C>G (p.Thr1570Ser)

Genes: SCN1A (sodium voltage-gated channel alpha subunit 1; minus strand), LOC102724058 (uncharacterized LOC102724058; plus strand). Cytogenetic location: 2q24.3.
Variant type: single nucleotide variant.
Coding change: c.4709C>G on transcript NM_001165963.4 (MANE Select); coding-DNA position 4709, C replaced by G.
Protein change: p.Thr1570Ser; replaces threonine 1570 with serine.
Molecular consequence: missense variant. On other transcripts: non-coding transcript variant (1).
Genome position (GRCh38, 1-based): chr2:165,994,289, G>C on the plus strand (C>G on the coding strand, the complement: SCN1A is on the minus strand). VCF-style: chr2-165994289-G-C. GRCh37 (hg19) VCF-style: chr2-166850799-G-C.
Other names: c.4673C>G, p.Thr1558Ser (NM_001353955.2, NM_001353954.2); c.4625C>G, p.Thr1542Ser (NM_001353957.2, NM_001353958.2, NM_001165964.3); c.4622C>G, p.Thr1541Ser (NM_001353960.2); c.2267C>G, p.Thr756Ser (NM_001353961.2); c.4676C>G, p.Thr1559Ser (NM_006920.6, NM_001353949.2, NM_001353950.2 and 2 more transcripts); c.4709C>G, p.Thr1570Ser (NM_001202435.3, NM_001353948.2); short protein forms T1541S, T1542S, T1558S, T1559S, T1570S, T756S.
Identifiers: ClinVar variation 4530864 (VCV004530864.1).